The following is an entry in ClinVar:

ClinVar aggregate classification (germline): Uncertain significance (1 of 4 stars; one submission).

Conditions:
Autosomal dominant nonsyndromic hearing loss 4A. Also called: Deafness, autosomal dominant 4A. Identifiers: Orphanet 90635, MedGen C1833503, MONDO:0010915, OMIM 600652.

Submission:

Neuberg Centre For Genomic Medicine, NCGM
Classification: Uncertain significance for Autosomal dominant nonsyndromic hearing loss 4A. Last evaluated: 2023-03-01. Review status: criteria provided, single submitter. Criteria: ACMG Guidelines, 2015. Collection method: clinical testing. Allele origin: germline. Inheritance: Autosomal dominant inheritance. Affected: yes.
Comment: The missense variant c.5981C>A(p.Thr1994Asn) in MYH14 gene has not been reported previously as a pathogenic variant nor as a benign variant, to our knowledge. The p.Thr1994Asn variant is novel (not in any individuals) in gnomAD Exomes and 1000 Genomes. This variant has not been reported to the ClinVar database. The amino acid change p.Thr1994Asn in MYH14 is predicted as conserved by GERP++ and PhyloP across 100 vertebrates. The amino acid Thr at position 1994 is changed to a Asn changing protein sequence and it might alter its composition and physico-chemical properties. For these reasons, this variant has been classified as Uncertain Significance (VUS).

NM_001145809.2(MYH14):c.5981C>A (p.Thr1994Asn)

Gene: MYH14 (myosin heavy chain 14; plus strand). Cytogenetic location: 19q13.33.
Variant type: single nucleotide variant.
Coding change: c.5981C>A on transcript NM_001145809.2 (MANE Select); coding-DNA position 5981, C replaced by A.
Protein change: p.Thr1994Asn; replaces threonine 1994 with asparagine.
Molecular consequence: missense variant.
Genome position (GRCh38, 1-based): chr19:50,309,660, C>A. VCF-style: chr19-50309660-C-A. GRCh37 (hg19) VCF-style: chr19-50812917-C-A.
Other names: c.5882C>A, p.Thr1961Asn (NM_001077186.2); c.5858C>A, p.Thr1953Asn (NM_024729.4); short protein forms T1953N, T1961N, T1994N.
Identifiers: ClinVar variation 2671692 (VCV002671692.1), dbSNP rs2036785111, ClinGen allele CA406965925.